The following is an entry in ClinVar:

ClinVar aggregate classification (germline): Conflicting classifications of pathogenicity. Review status: criteria provided, conflicting classifications (1 of 4 stars). 2 submissions from 2 submitters: Uncertain significance (1); Likely benign (1). Last evaluated 2024-10-29.

Conditions:
Hereditary cancer-predisposing syndrome. Also called: Neoplastic Syndromes, Hereditary; Tumor predisposition; Hereditary Cancer Syndrome; Hereditary neoplastic syndrome. Identifiers: Orphanet 140162, MedGen C0027672, MeSH D009386, MONDO:0015356.
Oligodontia-cancer predisposition syndrome. Also called: TOOTH AGENESIS-COLORECTAL CANCER SYNDROME. Identifiers: Orphanet 300576, MedGen C1837750, MONDO:0012075, OMIM 608615. Disease mechanism: loss of function.

Allele frequency attached by ClinVar (database versions not stated): gnomAD exomes 0.00001.
gnomAD v4.1: 4 of 1,614,110 alleles (0.00025%); highest among the groups gnomAD compares: African/African-American, 0.0013%; no homozygotes.

Submissions (2):

Labcorp Genetics (formerly Invitae), Labcorp
Classification: Uncertain significance for Oligodontia-cancer predisposition syndrome. Last evaluated: 2024-10-29. Review status: criteria provided, single submitter. Criteria: Invitae Variant Classification Sherloc (09022015). Collection method: clinical testing. Allele origin: germline.
Comment: This sequence change replaces serine, which is neutral and polar, with glycine, which is neutral and non-polar, at codon 567 of the AXIN2 protein (p.Ser567Gly). This variant is not present in population databases (gnomAD no frequency). This variant has not been reported in the literature in individuals affected with AXIN2-related conditions. ClinVar contains an entry for this variant (Variation ID: 1025465). Invitae Evidence Modeling of protein sequence and biophysical properties (such as structural, functional, and spatial information, amino acid conservation, physicochemical variation, residue mobility, and thermodynamic stability) indicates that this missense variant is not expected to disrupt AXIN2 protein function with a negative predictive value of 80%. In summary, the available evidence is currently insufficient to determine the role of this variant in disease. Therefore, it has been classified as a Variant of Uncertain Significance.

Ambry Genetics
Classification: Likely benign for Hereditary cancer-predisposing syndrome. Last evaluated: 2022-04-06. Review status: criteria provided, single submitter. Criteria: Ambry Variant Classification Scheme 2023. Collection method: clinical testing. Allele origin: germline.

NM_004655.4(AXIN2):c.1699A>G (p.Ser567Gly)

Gene: AXIN2 (axin 2; minus strand). Cytogenetic location: 17q24.1.
Variant type: single nucleotide variant.
Coding change: c.1699A>G on transcript NM_004655.4 (MANE Select); coding-DNA position 1699, A replaced by G.
Protein change: p.Ser567Gly; replaces serine 567 with glycine.
Molecular consequence: missense variant.
Genome position (GRCh38, 1-based): chr17:65,537,337, T>C on the plus strand (A>G on the coding strand, the complement: AXIN2 is on the minus strand). VCF-style: chr17-65537337-T-C. GRCh37 (hg19) VCF-style: chr17-63533455-T-C.
Other names: c.1699A>G, p.Ser567Gly (NM_001363813.1); short protein forms S567G.
Identifiers: ClinVar variation 1025465 (VCV001025465.11), dbSNP rs2043944738, ClinGen allele CA400676811.